The following is an entry in ClinVar:

NM_001005373.4(LRSAM1):c.1286A>C (p.Gln429Pro)

Gene: LRSAM1 (leucine rich repeat and sterile alpha motif containing 1; plus strand). Cytogenetic location: 9q33.3.
Variant type: single nucleotide variant.
Coding change: c.1286A>C on transcript NM_001005373.4 (MANE Select); coding-DNA position 1286, A replaced by C.
Protein change: p.Gln429Pro; replaces glutamine 429 with proline.
Molecular consequence: missense variant. On other transcripts: non-coding transcript variant (2).
Genome position (GRCh38, 1-based): chr9:127,487,702, A>C. VCF-style: chr9-127487702-A-C. GRCh37 (hg19) VCF-style: chr9-130249981-A-C.
Other names: c.1286A>C, p.Gln429Pro (NM_001005374.4, NM_001190723.3, NM_001384142.1 and 2 more transcripts); c.497A>C, p.Gln166Pro (NM_001384144.1); short protein forms Q166P, Q429P.
Identifiers: ClinVar variation 1768966 (VCV001768966.2), dbSNP rs753897147, ClinGen allele CA374932672.

ClinVar aggregate classification (germline): Uncertain significance (1 of 4 stars; one submission).

Conditions:
Inborn genetic diseases. Identifiers: MedGen C0950123, MeSH D030342.

gnomAD v4.1: 1 of 1,613,852 alleles (0.000062%); highest among the groups gnomAD compares: South Asian, 0.0011%; no homozygotes.

Submission:

Ambry Genetics
Classification: Uncertain significance for Inborn genetic diseases. Last evaluated: 2020-03-06. Review status: criteria provided, single submitter. Criteria: Ambry Variant Classification Scheme 2023. Collection method: clinical testing. Allele origin: germline.
Comment: The p.Q429P variant (also known as c.1286A>C), located in coding exon 16 of the LRSAM1 gene, results from an A to C substitution at nucleotide position 1286. The glutamine at codon 429 is replaced by proline, an amino acid with similar properties. This amino acid position is highly conserved in available vertebrate species. In addition, the in silico prediction for this alteration is inconclusive. Since supporting evidence is limited at this time, the clinical significance of this alteration remains unclear.